The following is an entry in ClinVar:

NM_004725.4(BUB3):c.230A>G (p.His77Arg)

Gene: BUB3 (BUB3 mitotic checkpoint protein; plus strand). Cytogenetic location: 10q26.13.
Variant type: single nucleotide variant.
Coding change: c.230A>G on transcript NM_004725.4 (MANE Select); coding-DNA position 230, A replaced by G.
Protein change: p.His77Arg; replaces histidine 77 with arginine.
Molecular consequence: missense variant.
Genome position (GRCh38, 1-based): chr10:123,155,692, A>G. VCF-style: chr10-123155692-A-G. GRCh37 (hg19) VCF-style: chr10-124915208-A-G.
Other names: c.230A>G, p.His77Arg (NM_001007793.3); short protein forms H77R.
Identifiers: ClinVar variation 3224494 (VCV003224494.1), dbSNP rs2493756750, ClinGen allele CA378625226.

ClinVar aggregate classification (germline): Uncertain significance (1 of 4 stars; one submission).

Submission:

Ambry Genetics
Classification: Uncertain significance. Last evaluated: 2023-10-13. Review status: criteria provided, single submitter. Criteria: Ambry Variant Classification Scheme 2023. Collection method: clinical testing. Allele origin: germline.
Comment: The p.H77R variant (also known as c.230A>G), located in coding exon 2 of the BUB3 gene, results from an A to G substitution at nucleotide position 230. The histidine at codon 77 is replaced by arginine, an amino acid with highly similar properties. This amino acid position is conserved. In addition, this alteration is predicted to be tolerated by in silico analysis. Since supporting evidence is limited at this time, the clinical significance of this alteration remains unclear.